The following is an entry in ClinVar:

NM_005655.4(KLF10):c.1288G>A (p.Ala430Thr)

Gene: KLF10 (KLF transcription factor 10; minus strand). Cytogenetic location: 8q22.3.
Variant type: single nucleotide variant.
Coding change: c.1288G>A on transcript NM_005655.4 (MANE Select); coding-DNA position 1288, G replaced by A.
Protein change: p.Ala430Thr; replaces alanine 430 with threonine.
Molecular consequence: missense variant. On other transcripts: non-coding transcript variant (2).
Genome position (GRCh38, 1-based): chr8:102,650,287, C>T on the plus strand (G>A on the coding strand, the complement: KLF10 is on the minus strand). VCF-style: chr8-102650287-C-T. GRCh37 (hg19) VCF-style: chr8-103662515-C-T.
Other names: c.1288G>A (NM_005655.2); c.1255G>A, p.Ala419Thr (NM_001032282.4); short protein forms A419T, A430T.
Identifiers: ClinVar variation 2086489 (VCV002086489.5), dbSNP rs2537068451, ClinGen allele CA371622854.

ClinVar aggregate classification (germline): Uncertain significance. Review status: criteria provided, multiple submitters, no conflicts (2 of 4 stars). 2 submissions from 2 submitters: Uncertain significance (2). Last evaluated 2025-09-22.

Allele frequency attached by ClinVar (database versions not stated): gnomAD exomes below 0.00001.
gnomAD v4.1: 2 of 1,614,186 alleles (0.00012%); highest among the groups gnomAD compares: Non-Finnish European, 0.00017%; no homozygotes.

Submissions (2):

Ambry Genetics
Classification: Uncertain significance. Last evaluated: 2025-09-22. Review status: criteria provided, single submitter. Criteria: Ambry Variant Classification Scheme 2023. Collection method: clinical testing. Allele origin: germline.

Labcorp Genetics (formerly Invitae), Labcorp
Classification: Uncertain significance. Last evaluated: 2022-10-24. Review status: criteria provided, single submitter. Criteria: Invitae Variant Classification Sherloc (09022015). Collection method: clinical testing. Allele origin: germline.
Comment: In summary, the available evidence is currently insufficient to determine the role of this variant in disease. Therefore, it has been classified as a Variant of Uncertain Significance. Algorithms developed to predict the effect of missense changes on protein structure and function are either unavailable or do not agree on the potential impact of this missense change (SIFT: "Deleterious"; PolyPhen-2: "Possibly Damaging"; Align-GVGD: "Class C0"). This variant has not been reported in the literature in individuals affected with KLF10-related conditions. This variant is not present in population databases (gnomAD no frequency). This sequence change replaces alanine, which is neutral and non-polar, with threonine, which is neutral and polar, at codon 430 of the KLF10 protein (p.Ala430Thr).